The following is an entry in ClinVar:

NM_000264.5(PTCH1):c.1400G>T (p.Gly467Val)

Gene: PTCH1 (patched 1; minus strand). Cytogenetic location: 9q22.32.
Variant type: single nucleotide variant.
Coding change: c.1400G>T on transcript NM_000264.5 (MANE Select); coding-DNA position 1400, G replaced by T.
Protein change: p.Gly467Val; replaces glycine 467 with valine.
Molecular consequence: missense variant. On other transcripts: non-coding transcript variant (1), intron variant (1).
Genome position (GRCh38, 1-based): chr9:95,477,650, C>A on the plus strand (G>T on the coding strand, the complement: PTCH1 is on the minus strand). VCF-style: chr9-95477650-C-A. GRCh37 (hg19) VCF-style: chr9-98239932-C-A.
Other names: c.1202G>T, p.Gly401Val (NM_001083602.3); c.1397G>T, p.Gly466Val (NM_001083603.3); c.947G>T, p.Gly316Val (NM_001083604.3, NM_001083605.3, NM_001083606.3 and 1 more transcripts); c.1347+405G>T (NM_001354918.2); short protein forms G401V, G466V, G467V, G316V.
Identifiers: ClinVar variation 2889558 (VCV002889558.3), dbSNP rs2538205630, ClinGen allele CA374118570.

ClinVar aggregate classification (germline): Uncertain significance (1 of 4 stars; one submission).

Conditions:
Gorlin syndrome. Also called: Nevoid Basal Cell Carcinoma Syndrome; Basal cell nevus syndrome. Identifiers: Orphanet 377, MedGen C0004779, MONDO:0007187.

Submission:

Labcorp Genetics (formerly Invitae), Labcorp
Classification: Uncertain significance for Gorlin syndrome. Last evaluated: 2023-06-14. Review status: criteria provided, single submitter. Criteria: Invitae Variant Classification Sherloc (09022015). Collection method: clinical testing. Allele origin: germline.
Comment: In summary, the available evidence is currently insufficient to determine the role of this variant in disease. Therefore, it has been classified as a Variant of Uncertain Significance. This sequence change replaces glycine, which is neutral and non-polar, with valine, which is neutral and non-polar, at codon 467 of the PTCH1 protein (p.Gly467Val). Advanced modeling of protein sequence and biophysical properties (such as structural, functional, and spatial information, amino acid conservation, physicochemical variation, residue mobility, and thermodynamic stability) performed at Invitae indicates that this missense variant is not expected to disrupt PTCH1 protein function. This variant has not been reported in the literature in individuals affected with PTCH1-related conditions. This variant is not present in population databases (gnomAD no frequency).